The following is an entry in ClinVar:

NM_005802.5(TOPORS):c.2882T>A (p.Val961Glu)

Gene: TOPORS (TOP1 binding arginine/serine rich protein, E3 ubiquitin ligase; minus strand). Cytogenetic location: 9p21.1.
Variant type: single nucleotide variant.
Coding change: c.2882T>A on transcript NM_005802.5 (MANE Select); coding-DNA position 2882, T replaced by A.
Protein change: p.Val961Glu; replaces valine 961 with glutamic acid.
Molecular consequence: missense variant.
Genome position (GRCh38, 1-based): chr9:32,541,643, A>T on the plus strand (T>A on the coding strand, the complement: TOPORS is on the minus strand). VCF-style: chr9-32541643-A-T. GRCh37 (hg19) VCF-style: chr9-32541641-A-T.
Other names: c.2687T>A, p.Val896Glu (NM_001195622.2); short protein forms V961E, V896E.
Identifiers: ClinVar variation 2096491 (VCV002096491.4), dbSNP rs2489444651, ClinGen allele CA373160180.
Genomic context (GRCh38, chr9:32,541,643, plus strand): 5'-GTTTTGTTGGCATTATTCAAGTTGTTACTAAGTGTGGCAATATCACATTCCTTGTCCAGC[A>T]CACCAAATTCAGCTTCTATTGTAACTACATCTTTAGTTTCAAATGGTTCCAAGGAAGGAG-3'
Protein context (NP_005793.2, residues 951-971): DVVTIEAEFG[Val961Glu]LDKECDIATL

ClinVar aggregate classification (germline): Uncertain significance (1 of 4 stars; one submission).

Submission:

Labcorp Genetics (formerly Invitae), Labcorp
Classification: Uncertain significance. Last evaluated: 2022-11-01. Review status: criteria provided, single submitter. Criteria: Invitae Variant Classification Sherloc (09022015). Collection method: clinical testing. Allele origin: germline.
Comment: This sequence change replaces valine, which is neutral and non-polar, with glutamic acid, which is acidic and polar, at codon 961 of the TOPORS protein (p.Val961Glu). This variant is not present in population databases (gnomAD no frequency). This variant has not been reported in the literature in individuals affected with TOPORS-related conditions. Algorithms developed to predict the effect of missense changes on protein structure and function are either unavailable or do not agree on the potential impact of this missense change (SIFT: "Deleterious"; PolyPhen-2: "Not Available"; Align-GVGD: "Class C0"). In summary, the available evidence is currently insufficient to determine the role of this variant in disease. Therefore, it has been classified as a Variant of Uncertain Significance.